The following is an entry in ClinVar:

ClinVar aggregate classification (germline): not provided (0 of 4 stars; one submission).

Conditions:
Seizures, benign familial neonatal, 1. Also called: KCNQ2-Related Benign Familial Neonatal Epilepsy; Benign Neonatal Epilepsy 1; KCNQ2-Related Self-Limited Familial Neonatal Epilepsy (SLFNE); Seizures, benign neonatal, 1. Identifiers: Orphanet 1949, MedGen C3149074, MONDO:0007365, OMIM 121200.

Submission:

GeneReviews
No classification provided. Condition: Seizures, benign familial neonatal, 1. Review status: no classification provided. Collection method: literature only. Allele origin: germline. Affected: yes.
Comment: BFNE (benign familial neonatal epilepsy)

Literature cited by the submitters: PubMed 25982755; NCBI Bookshelf NBK32534.

NM_172107.4(KCNQ2):c.1073C>T (p.Ser358Phe)

Gene: KCNQ2 (potassium voltage-gated channel subfamily Q member 2; minus strand). Cytogenetic location: 20q13.33.
Variant type: single nucleotide variant.
Coding change: c.1073C>T on transcript NM_172107.4 (MANE Select); coding-DNA position 1073, C replaced by T.
Protein change: p.Ser358Phe; replaces serine 358 with phenylalanine.
Molecular consequence: missense variant.
Genome position (GRCh38, 1-based): chr20:63,433,854, G>A on the plus strand (C>T on the coding strand, the complement: KCNQ2 is on the minus strand). VCF-style: chr20-63433854-G-A. GRCh37 (hg19) VCF-style: chr20-62065207-G-A.
Other names: c.1073C>T, p.Ser358Phe (NM_004518.6, NM_172106.3, NM_172108.5 and 1 more transcripts); short protein forms S358F.
Identifiers: ClinVar variation 369783 (VCV000369783.2), dbSNP rs1057516110, ClinGen allele CA10654796.